The following is an entry in ClinVar:

ClinVar aggregate classification (germline): Uncertain significance (1 of 4 stars; one submission).

Submission:

GeneDx
Classification: Uncertain significance. Last evaluated: 2017-06-21. Review status: criteria provided, single submitter. Criteria: GeneDx Variant Classification (06012015). Collection method: clinical testing. Allele origin: germline. Affected: yes.
Comment: The L1090P variant of uncertain significance in the MYH7 gene has not been published as pathogenic or benign to our knowledge. This variant has not been observed in large population cohorts (Lek et al., 2016; McVean et al., 2012; Exome Variant Server). In addition, L1090P is a semi-conservative amino acid substitution, which may impact secondary protein structure as these residues differ in some properties. This substitution also occurs at a position where only amino acids with similar properties to leucine are tolerated across species. In silico analysis predicts this variant is probably damaging the protein structure/function. Nevertheless, additional evidence is needed to determine whether this variant is pathogenic or benign.

NM_000257.4(MYH7):c.3269T>C (p.Leu1090Pro)

Gene: MYH7 (myosin heavy chain 7; minus strand). Cytogenetic location: 14q11.2.
Variant type: single nucleotide variant.
Coding change: c.3269T>C on transcript NM_000257.4 (MANE Select); coding-DNA position 3269, T replaced by C.
Protein change: p.Leu1090Pro; replaces leucine 1090 with proline.
Molecular consequence: missense variant.
Genome position (GRCh38, 1-based): chr14:23,421,025, A>G on the plus strand (T>C on the coding strand, the complement: MYH7 is on the minus strand). VCF-style: chr14-23421025-A-G. GRCh37 (hg19) VCF-style: chr14-23890234-A-G.
Other names: p.L1090P:CTC>CCC; c.3269T>C (LRG_384t1); short protein forms L1090P.
Identifiers: ClinVar variation 181220 (VCV000181220.2), dbSNP rs730880772, ClinGen allele CA013512.